The following is an entry in ClinVar:

NM_000321.3(RB1):c.2513C>A (p.Ser838Ter)

Gene: RB1 (RB transcriptional corepressor 1; plus strand). Cytogenetic location: 13q14.2.
Variant type: single nucleotide variant.
Coding change: c.2513C>A on transcript NM_000321.3 (MANE Select); coding-DNA position 2513, C replaced by A.
Protein change: p.Ser838Ter; replaces serine 838 with a stop codon.
Molecular consequence: nonsense.
Genome position (GRCh38, 1-based): chr13:48,473,383, C>A. VCF-style: chr13-48473383-C-A. GRCh37 (hg19) VCF-style: chr13-49047519-C-A.
Other names: short protein forms S838*.
Identifiers: ClinVar variation 428735 (VCV000428735.6), dbSNP rs1131690908, ClinGen allele CA388168153.

ClinVar aggregate classification (germline): Pathogenic. Review status: criteria provided, multiple submitters, no conflicts (2 of 4 stars). 2 submissions from 2 submitters: Pathogenic (2). Last evaluated 2024-12-19.

Conditions:
Hereditary cancer-predisposing syndrome. Also called: Hereditary Cancer Syndrome; Neoplastic Syndromes, Hereditary; Hereditary neoplastic syndrome; Tumor predisposition. Identifiers: Orphanet 140162, MedGen C0027672, MeSH D009386, MONDO:0015356.
Retinoblastoma (RB1). Also called: RETINOBLASTOMA, SOMATIC. Identifiers: Orphanet 790, MedGen C0035335, MeSH D012175, MONDO:0008380, OMIM 180200, HP:0009919. Disease mechanism: loss of function. Inheritance: Both sporadic and heritable forms are tested..

Submissions (2):

Genomic Medicine Center of Excellence, King Faisal Specialist Hospital and Research Centre
Classification: Pathogenic for Retinoblastoma. Last evaluated: 2024-12-19. Review status: criteria provided, single submitter. Criteria: ACMG Guidelines, 2015. Collection method: clinical testing. Allele origin: germline.

Ambry Genetics
Classification: Pathogenic for Hereditary cancer-predisposing syndrome. Last evaluated: 2016-06-20. Review status: criteria provided, single submitter. Criteria: Ambry Variant Classification Scheme 2023. Collection method: clinical testing. Allele origin: germline.
Comment: The p.S838* pathogenic mutation (also known as c.2513C>A), located in coding exon 24 of the RB1 gene, results from a C to A substitution at nucleotide position 2513. This changes the amino acid from a serine to a stop codon within coding exon 24. This alteration has previously been reported in an individual with familial retinoblastoma (Liu Z et al. Genes Chromosomes Cancer 1995 Dec;14(4):277-84). In addition to the clinical data presented in the literature, since premature stop codons are typically deleterious in nature, this alteration is interpreted as a disease-causing mutation (ACMG Recommendations for Standards for Interpretation and Reporting of Sequence Variations. Revision 2007. Genet Med. 2008;10:294).

Literature cited by the submitters: PubMed 8605116 (cited by Ambry Genetics).